The following is an entry in ClinVar:

NM_001297663.2(TTC39A):c.1322C>T (p.Thr441Met)

Gene: TTC39A (tetratricopeptide repeat domain 39A; minus strand). Cytogenetic location: 1p32.3.
Variant type: single nucleotide variant.
Coding change: c.1322C>T on transcript NM_001297663.2 (MANE Select); coding-DNA position 1322, C replaced by T.
Protein change: p.Thr441Met; replaces threonine 441 with methionine.
Molecular consequence: missense variant.
Genome position (GRCh38, 1-based): chr1:51,290,570, G>A on the plus strand (C>T on the coding strand, the complement: TTC39A is on the minus strand). VCF-style: chr1-51290570-G-A. GRCh37 (hg19) VCF-style: chr1-51756242-G-A.
Other names: c.1325C>T, p.Thr442Met (NM_001080494.3); c.1334C>T, p.Thr445Met (NM_001144832.2); c.1241C>T, p.Thr414Met (NM_001297664.1); c.1430C>T, p.Thr477Met (NM_001297665.1); c.254C>T, p.Thr85Met (NM_001297666.1); c.53C>T, p.Thr18Met (NM_001297667.1); short protein forms T445M, T414M, T18M, T85M, T441M, T442M, T477M.
Identifiers: ClinVar variation 487628 (VCV000487628.1), dbSNP rs756251338, ClinGen allele CA846786.

ClinVar aggregate classification (germline): Uncertain significance (0 of 4 stars; one submission).

Conditions:
Wolff-Parkinson-White pattern. Also called: WPW SYNDROME; Auriculoventricular accessory pathway syndrome; False bundle branch block syndrome; Anomalous ventricular excitation syndrome. Identifiers: MedGen C0043202, MONDO:0008685, OMIM 194200, HP:0001716.

Allele frequency attached by ClinVar (database versions not stated): gnomAD 0.00001; TOPMed 0.00001; gnomAD exomes 0.00003; ExAC 0.00004.
gnomAD v4.1: 22 of 1,613,846 alleles (0.0014%); highest among the groups gnomAD compares: South Asian, 0.0066%; no homozygotes.

Submission:

Lupski Lab, Baylor-Hopkins CMG, Baylor College of Medicine
Classification: Uncertain significance for Wolff-Parkinson-White pattern. Last evaluated: 2017-07-14. Review status: no assertion criteria provided. Collection method: research. Allele origin: de novo. Affected: yes. Observed: 1 variant allele. Study: Candidate_variants_in_patients_with_ Wolff-Parkinson-White Syndrome.